The following is an entry in ClinVar:

NM_006268.5(DPF2):c.514_516dup (p.Tyr172_Glu173insTyr)

Gene: DPF2 (double PHD fingers 2; plus strand). Cytogenetic location: 11q13.1.
Variant type: Duplication.
Coding change: c.514_516dup on transcript NM_006268.5 (MANE Select); coding-DNA positions 514 to 516, 3 bases duplicated (TAT; older notation c.514_516dupTAT).
Protein change: p.Tyr172_Glu173insTyr.
Molecular consequence: inframe insertion.
Genome position (GRCh38, 1-based): chr11:65,343,793-65,343,795, TAT duplicated. VCF-style (leftmost placement, unchanged base first): chr11-65343792-C-CTAT. GRCh37 (hg19) VCF-style: chr11-65111263-C-CTAT.
Other names: c.514_516dup, p.Tyr172_Glu173insTyr (NM_001330308.2).
Identifiers: ClinVar variation 2299406 (VCV002299406.2), dbSNP rs760288872, ClinGen allele CA6095291.

ClinVar aggregate classification (germline): Uncertain significance (1 of 4 stars; one submission).

Conditions:
Inborn genetic diseases. Identifiers: MedGen C0950123, MeSH D030342.

Allele frequency attached by ClinVar (database versions not stated): gnomAD exomes below 0.00001; TOPMed below 0.00001; ExAC 0.00002.

Submission:

Ambry Genetics
Classification: Uncertain significance for Inborn genetic diseases. Last evaluated: 2022-07-28. Review status: criteria provided, single submitter. Criteria: Ambry Variant Classification Scheme 2023. Collection method: clinical testing. Allele origin: germline.
Comment: The c.514_516dupTAT (p.Y172dup) alteration is located in exon 5 (coding exon 5) of the DPF2 gene. The alteration consists of an in-frame duplication of 3 nucleotides from position 514 to 516, resulting in the duplication of <NA> residues. Based on insufficient or conflicting evidence, the clinical significance of this alteration remains unclear.